The following is an entry in ClinVar:

NM_003072.5(SMARCA4):c.68C>T (p.Ser23Phe)

Gene: SMARCA4 (SWI/SNF related BAF chromatin remodeling complex subunit ATPase 4; plus strand). Cytogenetic location: 19p13.2.
Variant type: single nucleotide variant.
Coding change: c.68C>T on transcript NM_003072.5 (MANE Select); coding-DNA position 68, C replaced by T.
Protein change: p.Ser23Phe; replaces serine 23 with phenylalanine.
Molecular consequence: missense variant. On other transcripts: non-coding transcript variant (1).
Genome position (GRCh38, 1-based): chr19:10,984,219, C>T. VCF-style: chr19-10984219-C-T. GRCh37 (hg19) VCF-style: chr19-11094895-C-T.
Other names: c.68C>T, p.Ser23Phe (NM_001128844.3, NM_001128845.2, NM_001128846.2 and 5 more transcripts); c.68C>T (NM_001128849.1); short protein forms S23F.
Identifiers: ClinVar variation 1472192 (VCV001472192.7), dbSNP rs1555750712, ClinGen allele CA404054060.

ClinVar aggregate classification (germline): Uncertain significance. Review status: criteria provided, multiple submitters, no conflicts (2 of 4 stars). 2 submissions from 2 submitters: Uncertain significance (2). Last evaluated 2024-07-11.

Conditions:
Hereditary cancer-predisposing syndrome. Also called: Neoplastic Syndromes, Hereditary; Hereditary Cancer Syndrome; Tumor predisposition; Hereditary neoplastic syndrome. Identifiers: Orphanet 140162, MedGen C0027672, MeSH D009386, MONDO:0015356.
Rhabdoid tumor predisposition syndrome 2 (RTPS2). Identifiers: Orphanet 231108, Orphanet 69077, MedGen C2750074, MONDO:0013224, OMIM 613325.

Allele frequency attached by ClinVar (database versions not stated): gnomAD exomes below 0.00001.
gnomAD v4.1: 1 of 1,612,512 alleles (0.000062%); highest among the groups gnomAD compares: Non-Finnish European, 0.000085%; no homozygotes.

Submissions (2):

Ambry Genetics
Classification: Uncertain significance for Hereditary cancer-predisposing syndrome. Last evaluated: 2024-07-11. Review status: criteria provided, single submitter. Criteria: Ambry Variant Classification Scheme 2023. Collection method: clinical testing. Allele origin: germline.
Comment: The p.S23F variant (also known as c.68C>T), located in coding exon 1 of the SMARCA4 gene, results from a C to T substitution at nucleotide position 68. The serine at codon 23 is replaced by phenylalanine, an amino acid with highly dissimilar properties. This amino acid position is conserved. In addition, this alteration is predicted to be deleterious by in silico analysis. Based on the available evidence, the clinical significance of this variant remains unclear.

Labcorp Genetics (formerly Invitae), Labcorp
Classification: Uncertain significance for Rhabdoid tumor predisposition syndrome 2. Last evaluated: 2021-11-08. Review status: criteria provided, single submitter. Criteria: Invitae Variant Classification Sherloc (09022015). Collection method: clinical testing. Allele origin: germline.
Comment: This variant is not present in population databases (gnomAD no frequency). This variant has not been reported in the literature in individuals affected with SMARCA4-related conditions. Algorithms developed to predict the effect of missense changes on protein structure and function are either unavailable or do not agree on the potential impact of this missense change (SIFT: "Deleterious"; PolyPhen-2: "Not Available"; Align-GVGD: "Class C65"). In summary, the available evidence is currently insufficient to determine the role of this variant in disease. Therefore, it has been classified as a Variant of Uncertain Significance. This sequence change replaces serine, which is neutral and polar, with phenylalanine, which is neutral and non-polar, at codon 23 of the SMARCA4 protein (p.Ser23Phe).